The following is an entry in ClinVar:

ClinVar aggregate classification (germline): Likely pathogenic. Review status: criteria provided, multiple submitters, no conflicts (2 of 4 stars). 3 submissions from 3 submitters: Likely pathogenic (3). Last evaluated 2024-03-12.

Conditions:
Hereditary cancer-predisposing syndrome. Also called: Neoplastic Syndromes, Hereditary; Tumor predisposition; Hereditary Cancer Syndrome; Hereditary neoplastic syndrome. Identifiers: Orphanet 140162, MedGen C0027672, MeSH D009386, MONDO:0015356.
Familial cancer of breast. Also called: Hereditary breast cancer; BREAST CANCER, FAMILIAL; hereditary breast carcinoma. Identifiers: Orphanet 227535, MedGen C0346153, MONDO:0016419, OMIM 114480. Disease mechanism: loss of function.
Ataxia-telangiectasia syndrome (AT). Also called: Ataxia telangiectasia (A-T); Ataxia-telangiectasia, complementation group D; AT, COMPLEMENTATION GROUP C; ATAXIA-TELANGIECTASIA, COMPLEMENTATION GROUP A; Ataxia-telangiectasia, complementation group E; ATAXIA-TELANGIECTASIA, FRESNO VARIANT. Identifiers: Orphanet 100, MedGen C0004135, MONDO:0008840, OMIM 208900.

Submissions (3):

Myriad Genetics, Inc.
Classification: Likely pathogenic for Familial cancer of breast. Last evaluated: 2024-03-12. Review status: criteria provided, single submitter. Criteria: Myriad Autosomal Dominant, Autosomal Recessive and X-Linked Classification Criteria (2023). Collection method: clinical testing. Allele origin: unknown.
Comment: This variant is considered likely pathogenic. This variant occurs within a consensus splice junction and is predicted to result in abnormal mRNA splicing of either an out-of-frame exon or an in-frame exon necessary for protein stability and/or normal function.

Labcorp Genetics (formerly Invitae), Labcorp
Classification: Likely pathogenic for Ataxia-telangiectasia syndrome. Last evaluated: 2023-02-14. Review status: criteria provided, single submitter. Criteria: Invitae Variant Classification Sherloc (09022015). Collection method: clinical testing. Allele origin: germline.
Comment: In summary, the currently available evidence indicates that the variant is pathogenic, but additional data are needed to prove that conclusively. Therefore, this variant has been classified as Likely Pathogenic. Algorithms developed to predict the effect of sequence changes on RNA splicing suggest that this variant may disrupt the consensus splice site. ClinVar contains an entry for this variant (Variation ID: 567404). Disruption of this splice site has been observed in individual(s) with breast cancer and/or lung cancer (PMID: 29625052, 31721094). This variant is not present in population databases (gnomAD no frequency). This sequence change affects an acceptor splice site in intron 5 of the ATM gene. It is expected to disrupt RNA splicing. Variants that disrupt the donor or acceptor splice site typically lead to a loss of protein function (PMID: 16199547), and loss-of-function variants in ATM are known to be pathogenic (PMID: 23807571, 25614872).

Color Diagnostics, LLC DBA Color Health
Classification: Likely pathogenic for Hereditary cancer-predisposing syndrome. Last evaluated: 2021-05-25. Review status: criteria provided, single submitter. Criteria: ACMG Guidelines, 2015. Collection method: clinical testing. Allele origin: germline.
Comment: This variant causes a G to C nucleotide substitution at the -1 position of intron 5 of the ATM gene. Splice site prediction tools predict that this variant may have a significant impact on RNA splicing. Although this prediction has not been confirmed in published RNA studies, this variant is expected to result in an absent or disrupted protein product. This variant has been reported in an individual affected with lung cancer (PMID: 31721094). This variant has not been identified in the general population by the Genome Aggregation Database (gnomAD). Loss of ATM function is a known mechanism of disease. Based on the available evidence, this variant is classified as Likely Pathogenic.

Literature cited by the submitters: PubMed 29625052 (cited by Labcorp Genetics (formerly Invitae), Labcorp); PubMed 31721094 (cited by Labcorp Genetics (formerly Invitae), Labcorp); PubMed 16199547 (cited by Labcorp Genetics (formerly Invitae), Labcorp); PubMed 23807571 (cited by Labcorp Genetics (formerly Invitae), Labcorp); PubMed 25614872 (cited by Labcorp Genetics (formerly Invitae), Labcorp).

NM_000051.4(ATM):c.497-1G>C

Gene: ATM (ATM serine/threonine kinase; plus strand). Cytogenetic location: 11q22.3.
Variant type: single nucleotide variant.
Coding change: c.497-1G>C on transcript NM_000051.4 (MANE Select); the canonical splice acceptor site of the intron before coding-DNA position 497, G replaced by C.
Molecular consequence: splice acceptor variant.
Genome position (GRCh38, 1-based): chr11:108,243,952, G>C. VCF-style: chr11-108243952-G-C. GRCh37 (hg19) VCF-style: chr11-108114679-G-C.
Other names: c.497-1G>C (NM_001351834.2).
Identifiers: ClinVar variation 567404 (VCV000567404.10), dbSNP rs778624615, ClinGen allele CA382527392.